The following is an entry in ClinVar:

ClinVar aggregate classification (germline): Uncertain significance (1 of 4 stars; one submission).

Submission:

Ambry Genetics
Classification: Uncertain significance. Last evaluated: 2026-04-28. Review status: criteria provided, single submitter. Criteria: Ambry Variant Classification Scheme 2023. Collection method: clinical testing. Allele origin: germline.
Comment: The p.S366T variant (also known as c.1097G>C), located in coding exon 1 of the TET2 gene, results from a G to C substitution at nucleotide position 1097. The serine at codon 366 is replaced by threonine, an amino acid with similar properties. This amino acid position is conserved. In addition, this alteration is predicted to be tolerated by in silico analysis. Based on the available evidence, the clinical significance of this variant remains unclear.

NM_001127208.3(TET2):c.1097G>C (p.Ser366Thr)

Genes: TET2 (tet methylcytosine dioxygenase 2; plus strand), TET2-AS1 (TET2 antisense RNA 1; minus strand). Cytogenetic location: 4q24.
Variant type: single nucleotide variant.
Coding change: c.1097G>C on transcript NM_001127208.3 (MANE Select); coding-DNA position 1097, G replaced by C.
Protein change: p.Ser366Thr; replaces serine 366 with threonine.
Molecular consequence: missense variant.
Genome position (GRCh38, 1-based): chr4:105,235,039, G>C. VCF-style: chr4-105235039-G-C. GRCh37 (hg19) VCF-style: chr4-106156196-G-C.
Other names: c.1097G>C, p.Ser366Thr (NM_017628.4); short protein forms S366T.
Identifiers: ClinVar variation 4865560 (VCV004865560.1).